The following is an entry in ClinVar:

NM_017780.4(CHD7):c.98C>G (p.Pro33Arg)

Gene: CHD7 (chromodomain helicase DNA binding protein 7; plus strand). Cytogenetic location: 8q12.2.
Variant type: single nucleotide variant.
Coding change: c.98C>G on transcript NM_017780.4 (MANE Select); coding-DNA position 98, C replaced by G.
Protein change: p.Pro33Arg; replaces proline 33 with arginine.
Molecular consequence: missense variant.
Genome position (GRCh38, 1-based): chr8:60,741,530, C>G. VCF-style: chr8-60741530-C-G. GRCh37 (hg19) VCF-style: chr8-61654089-C-G.
Other names: c.98C>G (LRG_176t1, NM_017780.3); c.98C>G, p.Pro33Arg (NM_001316690.1); short protein forms P33R.
Identifiers: ClinVar variation 516331 (VCV000516331.58), dbSNP rs763572916, ClinGen allele CA4759263.

ClinVar aggregate classification (germline): Benign/Likely benign. Review status: criteria provided, multiple submitters, no conflicts (2 of 4 stars). 6 submissions from 6 submitters: Benign (1); Likely benign (4). 1 of the submissions does not count toward it. Last evaluated 2026-06-01.

Conditions:
Inborn genetic diseases. Identifiers: MedGen C0950123, MeSH D030342.
CHD7-related disorder. Also called: CHD7-related condition.
CHARGE syndrome (CHARGE). Also called: Hittner Hirsch Kreh syndrome; Coloboma, heart anomaly, choanal atresia, retardation, genital and ear anomalies; CHARGE association; Hall-Hittner syndrome; CHARGE ASSOCIATION--COLOBOMA, HEART ANOMALY, CHOANAL ATRESIA, RETARDATION, GENITAL AND EAR ANOMALIES. Identifiers: Orphanet 138, MedGen C0265354, MONDO:0008965.

Allele frequency attached by ClinVar (database versions not stated): gnomAD 0.00001; TOPMed 0.00002; gnomAD exomes 0.00006 and 0.00014; ExAC 0.00011.
gnomAD v4.1: 36 of 1,613,238 alleles (0.0022%); highest among the groups gnomAD compares: Admixed American, 0.06%; no homozygotes.

Submissions (6):

CeGaT Center for Human Genetics Tuebingen
Classification: Likely benign. Last evaluated: 2026-06-01. Review status: criteria provided, single submitter. Criteria: CeGaT Center For Human Genetics Tuebingen Variant Classification Criteria Version 2. Collection method: clinical testing. Allele origin: germline. Affected: yes. Observed: 2 variant alleles.
Comment: CHD7: BS1

Labcorp Genetics (formerly Invitae), Labcorp
Classification: Benign for CHARGE syndrome. Last evaluated: 2025-12-21. Review status: criteria provided, single submitter. Criteria: Invitae Variant Classification Sherloc (09022015). Collection method: clinical testing. Allele origin: germline.

Ambry Genetics
Classification: Likely benign for Inborn genetic diseases. Last evaluated: 2025-11-07. Review status: criteria provided, single submitter. Criteria: Ambry Variant Classification Scheme 2023. Collection method: clinical testing. Allele origin: germline.

Blueprint Genetics
Classification: Likely benign. Last evaluated: 2022-05-05. Review status: criteria provided, single submitter. Criteria: ACMG Guidelines, 2015. Collection method: clinical testing. Allele origin: germline.

GeneDx
Classification: Likely benign. Last evaluated: 2020-12-16. Review status: criteria provided, single submitter. Criteria: GeneDx Variant Classification Process June 2021. Collection method: clinical testing. Allele origin: germline. Affected: yes.

PreventionGenetics, part of Exact Sciences
Classification: Likely benign for CHD7-related condition. Last evaluated: 2022-06-14. Review status: no assertion criteria provided. Collection method: clinical testing. Allele origin: germline. Not counted in ClinVar's aggregate classification.
Comment: This variant is classified as likely benign based on ACMG/AMP sequence variant interpretation guidelines (Richards et al. 2015 PMID: 25741868, with internal and published modifications).